The following is an entry in ClinVar:

ClinVar aggregate classification (germline): Uncertain significance (1 of 4 stars; one submission).

Conditions:
Gorlin syndrome. Also called: Basal cell nevus syndrome; Nevoid Basal Cell Carcinoma Syndrome. Identifiers: Orphanet 377, MedGen C0004779, MONDO:0007187.

Allele frequency attached by ClinVar (database versions not stated): gnomAD 0.00001; gnomAD exomes 0.00001; TOPMed 0.00001.
gnomAD v4.1: 19 of 1,614,020 alleles (0.0012%); highest among the groups gnomAD compares: Middle Eastern, 0.016%; 1 homozygote.

Submission:

Labcorp Genetics (formerly Invitae), Labcorp
Classification: Uncertain significance for Gorlin syndrome. Last evaluated: 2020-08-20. Review status: criteria provided, single submitter. Criteria: Invitae Variant Classification Sherloc (09022015). Collection method: clinical testing. Allele origin: germline.
Comment: Algorithms developed to predict the effect of missense changes on protein structure and function are either unavailable or do not agree on the potential impact of this missense change (SIFT: "Deleterious"; PolyPhen-2: "Benign"; Align-GVGD: "Class C0"). In summary, the available evidence is currently insufficient to determine the role of this variant in disease. Therefore, it has been classified as a Variant of Uncertain Significance. This variant has not been reported in the literature in individuals with PTCH2-related conditions. This sequence change replaces valine with alanine at codon 545 of the PTCH2 protein (p.Val545Ala). The valine residue is moderately conserved and there is a small physicochemical difference between valine and alanine. This variant is not present in population databases (ExAC no frequency).

NM_003738.5(PTCH2):c.1634T>C (p.Val545Ala)

Gene: PTCH2 (patched 2; minus strand). Cytogenetic location: 1p34.1.
Variant type: single nucleotide variant.
Coding change: c.1634T>C on transcript NM_003738.5 (MANE Select); coding-DNA position 1634, T replaced by C.
Protein change: p.Val545Ala; replaces valine 545 with alanine.
Molecular consequence: missense variant.
Genome position (GRCh38, 1-based): chr1:44,828,371, A>G on the plus strand (T>C on the coding strand, the complement: PTCH2 is on the minus strand). VCF-style: chr1-44828371-A-G. GRCh37 (hg19) VCF-style: chr1-45294043-A-G.
Other names: c.1634T>C, p.Val545Ala (NM_001166292.2); short protein forms V545A.
Identifiers: ClinVar variation 1059806 (VCV001059806.9), dbSNP rs868360367, ClinGen allele CA21745695.
Genomic context (GRCh38, chr1:44,828,371, plus strand): 5'-AGCACATCAAGGCGCTGGCAGTGGCGCCGCCGTAGGTCCAGGCTGAGGATGGCTGGGAAG[A>G]CAAGCATCACGGCTACAAAGGTGCAGCCAACCACTATGGCCGCCTGGGGGACGGACAGGA-3'
Protein context (NP_003729.3, residues 535-555): VGCTFVAVML[Val545Ala]FPAILSLDLR